The following is an entry in ClinVar:

NM_004082.5(DCTN1):c.2769G>A (p.Pro923=)

Gene: DCTN1 (dynactin subunit 1; minus strand). Cytogenetic location: 2p13.1.
Variant type: single nucleotide variant.
Coding change: c.2769G>A on transcript NM_004082.5 (MANE Select); coding-DNA position 2769, G replaced by A.
Protein change: p.Pro923=; no amino-acid change (proline 923 retained).
Molecular consequence: synonymous variant. On other transcripts: non-coding transcript variant (1).
Genome position (GRCh38, 1-based): chr2:74,366,010, C>T on the plus strand (G>A on the coding strand, the complement: DCTN1 is on the minus strand). VCF-style: chr2-74366010-C-T. GRCh37 (hg19) VCF-style: chr2-74593137-C-T.
Other names: c.2709G>A, p.Pro903= (NM_001135040.3); c.2367G>A, p.Pro789= (NM_001135041.3, NM_023019.4); c.2658G>A, p.Pro886= (NM_001190836.2); c.2748G>A, p.Pro916= (NM_001190837.2); c.2718G>A, p.Pro906= (NM_001378991.1); c.2700G>A, p.Pro900= (NM_001378992.1).
Identifiers: ClinVar variation 2061457 (VCV002061457.29), dbSNP rs751246549, ClinGen allele CA1721718.
Genomic context (GRCh38, chr2:74,366,010, plus strand): 5'-CAAACCCAGGCCTTCAGCATCTGTGATCTCTGCACGAAGGGCAGCAGCCCGCAGTTCAAC[C>T]GGTGGAGGCTAAGGAATGGTCGGTAGGGGGTGAGAAAGTGAGGGTGGAGAGAAGAGATCA-3'
Protein context (NP_004073.2, residues 913-933): DAERPPSKPP[Pro923=]VELRAAALRA

ClinVar aggregate classification (germline): Likely benign. Review status: criteria provided, multiple submitters, no conflicts (2 of 4 stars). 3 submissions from 3 submitters: Likely benign (3). Last evaluated 2025-10-27.

Conditions:
Amyotrophic lateral sclerosis type 1 (ALS1). Also called: AMYOTROPHIC LATERAL SCLEROSIS 1, FAMILIAL. Identifiers: Orphanet 803, MedGen C1862939, MONDO:0007103, OMIM 105400.
Perry syndrome. Also called: PARKINSONISM WITH ALVEOLAR HYPOVENTILATION AND MENTAL DEPRESSION. Identifiers: Orphanet 178509, MedGen C1868594, MONDO:0008201, OMIM 168605.
Neuronopathy, distal hereditary motor, type 7B. Also called: NEURONOPATHY, DISTAL HEREDITARY MOTOR, AUTOSOMAL DOMINANT 14; NEURONOPATHY, DISTAL HEREDITARY MOTOR, HARDING TYPE VIIB; Distal Hereditary Motor Neuronopathy Type 7B (dHMN7B); HMN VIIB; LOWER MOTOR NEURON DISEASE, DYNACTIN TYPE; NEUROPATHY, DISTAL HEREDITARY MOTOR, HARDING TYPE VIIB. Identifiers: Orphanet 139589, MedGen C1843315, MONDO:0011879, OMIM 607641.

Allele frequency attached by ClinVar (database versions not stated): gnomAD exomes 0.00001; TOPMed 0.00002.
gnomAD v4.1: 22 of 1,614,090 alleles (0.0014%); highest among the groups gnomAD compares: Middle Eastern, 0.016%; no homozygotes.

Submissions (4):

Labcorp Genetics (formerly Invitae), Labcorp
Classification: Likely benign for Amyotrophic lateral sclerosis type 1; Neuronopathy, distal hereditary motor, type 7B; Perry syndrome. Last evaluated: 2025-10-27. Review status: criteria provided, single submitter. Criteria: Invitae Variant Classification Sherloc (09022015). Collection method: clinical testing. Allele origin: germline.

Blueprint Genetics
Classification: Likely benign. Last evaluated: 2023-09-19. Review status: criteria provided, single submitter. Criteria: ACMG Guidelines, 2015. Collection method: clinical testing. Allele origin: germline.

CeGaT Center for Human Genetics Tuebingen
Classification: Likely benign. Last evaluated: 2022-12-01. Review status: criteria provided, single submitter. Criteria: CeGaT Center For Human Genetics Tuebingen Variant Classification Criteria Version 2. Collection method: clinical testing. Allele origin: germline. Affected: yes. Observed: 1 variant allele.
Comment: DCTN1: BP4, BP7

Dr. Peter K. Rogan Lab, Western University
No classification provided (evidence only). Condition: Colon adenocarcinoma. Review status: no classification provided. Collection method: in vitro. Allele origin: not applicable. Functional consequence: retained intron. Not counted in ClinVar's aggregate classification.